The following is an entry in ClinVar:

NM_005739.4(RASGRP1):c.500G>A (p.Arg167His)

Gene: RASGRP1 (RAS guanyl releasing protein 1; minus strand). Cytogenetic location: 15q14.
Variant type: single nucleotide variant.
Coding change: c.500G>A on transcript NM_005739.4 (MANE Select); coding-DNA position 500, G replaced by A.
Protein change: p.Arg167His; replaces arginine 167 with histidine.
Molecular consequence: missense variant.
Genome position (GRCh38, 1-based): chr15:38,518,313, C>T on the plus strand (G>A on the coding strand, the complement: RASGRP1 is on the minus strand). VCF-style: chr15-38518313-C-T. GRCh37 (hg19) VCF-style: chr15-38810514-C-T.
Other names: c.500G>A, p.Arg167His (NM_001128602.2, NM_001306086.2); short protein forms R167H.
Identifiers: ClinVar variation 1387743 (VCV001387743.6), dbSNP rs773089795, ClinGen allele CA7471100.

ClinVar aggregate classification (germline): Uncertain significance (1 of 4 stars; one submission).

Allele frequency attached by ClinVar (database versions not stated): TOPMed 0.00001; gnomAD exomes 0.00002; ExAC 0.00003.
gnomAD v4.1: 30 of 1,610,204 alleles (0.0019%); highest among the groups gnomAD compares: Non-Finnish European, 0.0024%; no homozygotes.

Submission:

Labcorp Genetics (formerly Invitae), Labcorp
Classification: Uncertain significance. Last evaluated: 2023-05-15. Review status: criteria provided, single submitter. Criteria: Invitae Variant Classification Sherloc (09022015). Collection method: clinical testing. Allele origin: germline.
Comment: In summary, the available evidence is currently insufficient to determine the role of this variant in disease. Therefore, it has been classified as a Variant of Uncertain Significance. Advanced modeling of protein sequence and biophysical properties (such as structural, functional, and spatial information, amino acid conservation, physicochemical variation, residue mobility, and thermodynamic stability) performed at Invitae indicates that this missense variant is not expected to disrupt RASGRP1 protein function. ClinVar contains an entry for this variant (Variation ID: 1387743). This variant has not been reported in the literature in individuals affected with RASGRP1-related conditions. This variant is present in population databases (rs773089795, gnomAD 0.005%). This sequence change replaces arginine, which is basic and polar, with histidine, which is basic and polar, at codon 167 of the RASGRP1 protein (p.Arg167His).